The following is an entry in ClinVar:

NM_003900.5(SQSTM1):c.996A>G (p.Ser332=)

Gene: SQSTM1 (sequestosome 1; plus strand). Cytogenetic location: 5q35.3.
Variant type: single nucleotide variant.
Coding change: c.996A>G on transcript NM_003900.5 (MANE Select); coding-DNA position 996, A replaced by G.
Protein change: p.Ser332=; no amino-acid change (serine 332 retained).
Molecular consequence: synonymous variant.
Genome position (GRCh38, 1-based): chr5:179,833,613, A>G. VCF-style: chr5-179833613-A-G. GRCh37 (hg19) VCF-style: chr5-179260613-A-G.
Other names: c.744A>G, p.Ser248= (NM_001142298.2, NM_001142299.2).
Identifiers: ClinVar variation 448531 (VCV000448531.19), dbSNP rs141436407, ClinGen allele CA3600778.
Genomic context (GRCh38, chr5:179,833,613, plus strand): 5'-GTCTCCTGTGTGCTCATGGTGAGTTTTGTTCCAGGAACAGATGGAGTCGGATAACTGTTC[A>G]GGAGGAGATGATGACTGGACCCATCTGTCTTCAAAAGAAGTGGACCCGTCTACAGGTGAA-3'
Protein context (NP_003891.1, residues 322-342): PEEQMESDNC[Ser332=]GGDDDWTHLS

ClinVar aggregate classification (germline): Conflicting classifications of pathogenicity. Review status: criteria provided, conflicting classifications (1 of 4 stars). 7 submissions from 7 submitters: Uncertain significance (1); Benign (3); Likely benign (2). 1 of the submissions does not count toward it. Last evaluated 2026-01-07.

Conditions:
Paget disease of bone 2, early-onset (PDB2). Also called: Paget disease of bone 2. Identifiers: MedGen C4085251, MONDO:0011183, OMIM 602080.
Frontotemporal dementia and/or amyotrophic lateral sclerosis 1 (FTDALS1). Also called: C9orf72 Frontotemporal Dementia and/or Amyotrophic Lateral Sclerosis; Frontotemporal dementia with motor neuron disease 1. Identifiers: Orphanet 275872, MedGen C5779877, MONDO:0007105, OMIM 105550.
SQSTM1-related disorder. Also called: SQSTM1-Related Disorders.
Paget disease of bone 3. Identifiers: MedGen C4085252, MONDO:0008176, OMIM 167250.

Allele frequency attached by ClinVar (database versions not stated): gnomAD exomes 0.00051 and 0.00021; ExAC 0.00066; 1000 Genomes Project 30x 0.00156; 1000 Genomes Project 0.00160; gnomAD 0.00211 and 0.00230; TOPMed 0.00241; ESP Exome Variant Server 0.00254.
gnomAD v4.1: 655 of 1,613,990 alleles (0.041%); highest among the groups gnomAD compares: African/African-American, 0.76%; 5 homozygotes.

Submissions (7):

Labcorp Genetics (formerly Invitae), Labcorp
Classification: Benign for Paget disease of bone 2, early-onset; Frontotemporal dementia and/or amyotrophic lateral sclerosis 1. Last evaluated: 2026-01-07. Review status: criteria provided, single submitter. Criteria: Invitae Variant Classification Sherloc (09022015). Collection method: clinical testing. Allele origin: germline.

PreventionGenetics, part of Exact Sciences
Classification: Benign for SQSTM1-related condition. Last evaluated: 2025-02-08. Review status: criteria provided, single submitter. Criteria: ACMG Guidelines, 2015. Collection method: clinical testing. Allele origin: germline.
Comment: This variant is classified as benign based on ACMG/AMP sequence variant interpretation guidelines (Richards et al. 2015 PMID: 25741868, with internal and published modifications).

Blueprint Genetics
Classification: Likely benign. Last evaluated: 2024-03-01. Review status: criteria provided, single submitter. Criteria: ACMG Guidelines, 2015. Collection method: clinical testing. Allele origin: germline.

Clinical Genetics DNA and cytogenetics Diagnostics Lab, Erasmus MC, Erasmus Medical Center
Classification: Likely benign for Paget disease of bone 2, early-onset. Last evaluated: 2017-06-28. Review status: criteria provided, single submitter. Criteria: ACGS Guidelines, 2013. Collection method: clinical testing. Allele origin: germline. Affected: yes. Study: VKGL Data-share Consensus.

Illumina Laboratory Services, Illumina
Classification: Uncertain significance for Paget disease of bone 3. Last evaluated: 2017-04-28. Review status: criteria provided, single submitter. Criteria: ICSL Variant Classification Criteria 13 December 2019. Collection method: clinical testing. Allele origin: germline.

Athena Diagnostics
Classification: Benign. Last evaluated: 2017-04-27. Review status: criteria provided, single submitter. Criteria: Athena Diagnostics Criteria. Collection method: clinical testing. Allele origin: germline.

Genome Diagnostics Laboratory, Amsterdam University Medical Center
Classification: Likely benign for Paget disease of bone 2, early-onset. Last evaluated: 2016-09-21. Review status: no assertion criteria provided. Criteria: ACGS Guidelines, 2013. Collection method: clinical testing. Allele origin: germline. Affected: yes. Study: VKGL Data-share Consensus. Not counted in ClinVar's aggregate classification.